The following is an entry in ClinVar:

NM_006739.4(MCM5):c.1807C>T (p.Arg603Cys)

Gene: MCM5 (minichromosome maintenance complex component 5; plus strand). Cytogenetic location: 22q12.3.
Variant type: single nucleotide variant.
Coding change: c.1807C>T on transcript NM_006739.4 (MANE Select); coding-DNA position 1807, C replaced by T.
Protein change: p.Arg603Cys; replaces arginine 603 with cysteine.
Molecular consequence: missense variant.
Genome position (GRCh38, 1-based): chr22:35,419,987, C>T. VCF-style: chr22-35419987-C-T. GRCh37 (hg19) VCF-style: chr22-35815980-C-T.
Other names: short protein forms R603C.
Identifiers: ClinVar variation 1953496 (VCV001953496.5), dbSNP rs199544487, ClinGen allele CA10205514.

ClinVar aggregate classification (germline): Uncertain significance (1 of 4 stars; one submission).

Allele frequency attached by ClinVar (database versions not stated): gnomAD 0.00001; ExAC 0.00003; TOPMed 0.00003; 1000 Genomes Project 30x 0.00016; 1000 Genomes Project 0.00020.
gnomAD v4.1: 29 of 1,612,248 alleles (0.0018%); highest among the groups gnomAD compares: East Asian, 0.049%; no homozygotes.

Submission:

Labcorp Genetics (formerly Invitae), Labcorp
Classification: Uncertain significance. Last evaluated: 2021-12-23. Review status: criteria provided, single submitter. Criteria: Invitae Variant Classification Sherloc (09022015). Collection method: clinical testing. Allele origin: germline.
Comment: This sequence change replaces arginine, which is basic and polar, with cysteine, which is neutral and slightly polar, at codon 603 of the MCM5 protein (p.Arg603Cys). This variant is present in population databases (rs199544487, gnomAD 0.04%). This variant has not been reported in the literature in individuals affected with MCM5-related conditions. Algorithms developed to predict the effect of missense changes on protein structure and function are either unavailable or do not agree on the potential impact of this missense change (SIFT: "Deleterious"; PolyPhen-2: "Possibly Damaging"; Align-GVGD: "Class C0"). In summary, the available evidence is currently insufficient to determine the role of this variant in disease. Therefore, it has been classified as a Variant of Uncertain Significance.